The following is an entry in ClinVar:

NM_000128.4(F11):c.127G>A (p.Ala43Thr)

Gene: F11 (coagulation factor XI; plus strand). Cytogenetic location: 4q35.2.
Variant type: single nucleotide variant.
Coding change: c.127G>A on transcript NM_000128.4 (MANE Select); coding-DNA position 127, G replaced by A.
Protein change: p.Ala43Thr; replaces alanine 43 with threonine.
Molecular consequence: missense variant.
Genome position (GRCh38, 1-based): chr4:186,271,680, G>A. VCF-style: chr4-186271680-G-A. GRCh37 (hg19) VCF-style: chr4-187192834-G-A.
Other names: c.127G>A, p.Ala43Thr (NM_001354804.2); short protein forms A43T.
Identifiers: ClinVar variation 68174 (VCV000068174.2), dbSNP rs281875264, ClinGen allele CA219104.
Genomic context (GRCh38, chr4:186,271,680, plus strand): 5'-CAGTTGTTGAAGGACACCTGCTTTGAAGGAGGGGACATTACTACGGTCTTCACACCAAGC[G>A]CCAAGTACTGCCAGGTAGTCTGCACTTACCACCCAAGATGTTTACTCTTCACTTTCACGG-3'
Protein context (NP_000119.1, residues 33-53): GDITTVFTPS[Ala43Thr]KYCQVVCTYH

ClinVar aggregate classification (germline): Uncertain significance. Review status: criteria provided, single submitter (1 of 4 stars). 2 submissions from 2 submitters: Uncertain significance (1). 1 of the submissions does not count toward it. Last evaluated 2024-10-28.

Allele frequency attached by ClinVar (database versions not stated): ExAC 0.00001; gnomAD exomes 0.00004; TOPMed 0.00001.

Submissions (2):

Women's Health and Genetics/Laboratory Corporation of America, LabCorp
Classification: Uncertain significance. Last evaluated: 2024-10-28. Review status: criteria provided, single submitter. Criteria: LabCorp Variant Classification Summary - May 2015. Collection method: clinical testing. Allele origin: germline.
Comment: Variant summary: F11 c.127G>A (p.Ala43Thr) results in a non-conservative amino acid change located in the Apple domain (IPR000177) of the encoded protein sequence. Four of five in-silico tools predict a damaging effect of the variant on protein function. The variant allele was found at a frequency of 3.6e-05 in 251460 control chromosomes. c.127G>A has been reported in the literature as heterozygous or compound heterozygous genotype in individuals affected with Hereditary factor XI deficiency disease with no detailed clinical presentations or segregation data (Rugeri_2010, Dai_2011). These report(s) do not provide unequivocal conclusions about association of the variant with Hereditary factor XI deficiency disease. At least one publication reports experimental evidence evaluating an impact on protein function. The most pronounced variant effect results in 76% reduction of extracellular F11 secretion (Dai_2011). The following publications have been ascertained in the context of this evaluation (PMID: 21457405, 20398070). ClinVar contains an entry for this variant (Variation ID: 68174). Based on the evidence outlined above, the variant was classified as VUS-possibly pathogenic.

UniProtKB/Swiss-Prot
No classification provided. Review status: no classification provided. Collection method: not provided. Allele origin: not provided. Not counted in ClinVar's aggregate classification.

Literature cited by the submitters: PubMed 20398070 (cited by Women's Health and Genetics/Laboratory Corporation of America, LabCorp); PubMed 21457405 (cited by Women's Health and Genetics/Laboratory Corporation of America, LabCorp).